The following is an entry in ClinVar:

NM_006904.7(PRKDC):c.1187T>C (p.Phe396Ser)

Gene: PRKDC (protein kinase, DNA-activated, catalytic subunit; minus strand). Cytogenetic location: 8q11.21.
Variant type: single nucleotide variant.
Coding change: c.1187T>C on transcript NM_006904.7 (MANE Select); coding-DNA position 1187, T replaced by C.
Protein change: p.Phe396Ser; replaces phenylalanine 396 with serine.
Molecular consequence: missense variant.
Genome position (GRCh38, 1-based): chr8:47,936,444, A>G on the plus strand (T>C on the coding strand, the complement: PRKDC is on the minus strand). VCF-style: chr8-47936444-A-G. GRCh37 (hg19) VCF-style: chr8-48849004-A-G.
Other names: c.1187T>C, p.Phe396Ser (NM_001081640.2); short protein forms F396S.
Identifiers: ClinVar variation 1031105 (VCV001031105.3), dbSNP rs2090353585, ClinGen allele CA371166236.

ClinVar aggregate classification (germline): Uncertain significance. Review status: criteria provided, multiple submitters, no conflicts (2 of 4 stars). 2 submissions from 2 submitters: Uncertain significance (2). Last evaluated 2021-07-31.

Conditions:
Severe combined immunodeficiency due to DNA-PKcs deficiency. Also called: IMMUNODEFICIENCY 26 WITH NEUROLOGIC ABNORMALITIES; Immunodeficiency 26 with or without neurologic abnormalities. Identifiers: Orphanet 317425, MedGen C4014833, MONDO:0014423, OMIM 615966.

Allele frequency attached by ClinVar (database versions not stated): gnomAD exomes below 0.00001.
gnomAD v4.1: 1 of 1,614,058 alleles (0.000062%); highest among the groups gnomAD compares: South Asian, 0.0011%; no homozygotes.

Submissions (2):

Ambry Genetics
Classification: Uncertain significance. Last evaluated: 2021-07-31. Review status: criteria provided, single submitter. Criteria: Ambry Variant Classification Scheme 2023. Collection method: clinical testing. Allele origin: germline.
Comment: The p.F396S variant (also known as c.1187T>C), located in coding exon 12 of the PRKDC gene, results from a T to C substitution at nucleotide position 1187. The phenylalanine at codon 396 is replaced by serine, an amino acid with highly dissimilar properties. This amino acid position is conserved. In addition, the in silico prediction for this alteration is inconclusive. Since supporting evidence is limited at this time, the clinical significance of this alteration remains unclear.

Baylor Genetics
Classification: Uncertain significance for Severe combined immunodeficiency due to DNA-PKcs deficiency. Last evaluated: 2020-02-05. Review status: criteria provided, single submitter. Criteria: ACMG Guidelines, 2015. Collection method: clinical testing. Allele origin: unknown. Affected: yes.
Comment: This variant was determined to be of uncertain significance according to ACMG Guidelines, 2015 [PMID:25741868].